The following is an entry in ClinVar:

NM_147127.5(EVC2):c.2416G>A (p.Val806Met)

Gene: EVC2 (EvC ciliary complex subunit 2; minus strand). Cytogenetic location: 4p16.2.
Variant type: single nucleotide variant.
Coding change: c.2416G>A on transcript NM_147127.5 (MANE Select); coding-DNA position 2416, G replaced by A.
Protein change: p.Val806Met; replaces valine 806 with methionine.
Molecular consequence: missense variant.
Genome position (GRCh38, 1-based): chr4:5,622,622, C>T on the plus strand (G>A on the coding strand, the complement: EVC2 is on the minus strand). VCF-style: chr4-5622622-C-T. GRCh37 (hg19) VCF-style: chr4-5624349-C-T.
Other names: c.2176G>A, p.Val726Met (NM_001166136.2); short protein forms V806M, V726M.
Identifiers: ClinVar variation 349056 (VCV000349056.16), dbSNP rs138128087, ClinGen allele CA2834730.

ClinVar aggregate classification (germline): Uncertain significance. Review status: criteria provided, multiple submitters, no conflicts (2 of 4 stars). 6 submissions from 6 submitters: Uncertain significance (6). Last evaluated 2025-05-13.

Conditions:
Curry-Hall syndrome (WAD). Also called: WEYERS ACRODENTAL DYSOSTOSIS. Identifiers: Orphanet 952, MedGen C0457013, MONDO:0008673, OMIM 193530.
Inborn genetic diseases. Identifiers: MedGen C0950123, MeSH D030342.
Ellis-van Creveld syndrome (EVC). Also called: EVC-Related Ellis-van Creveld Syndrome; EVC2-Related Ellis-van Creveld Syndrome; MESOECTODERMAL DYSPLASIA; Chondroectodermal dysplasia. Identifiers: Orphanet 289, MedGen C0013903, MONDO:0009162, OMIM 225500.

Allele frequency attached by ClinVar (database versions not stated): 1000 Genomes Project 30x 0.00016; TOPMed 0.00017; 1000 Genomes Project 0.00020; gnomAD 0.00028 and 0.00029; gnomAD exomes 0.00030; ExAC 0.00039; ESP Exome Variant Server 0.00046.
gnomAD v4.1: 436 of 1,614,018 alleles (0.027%); highest among the groups gnomAD compares: Non-Finnish European, 0.032%; no homozygotes.

Submissions (6):

Ambry Genetics
Classification: Uncertain significance for Inborn genetic diseases. Last evaluated: 2025-05-13. Review status: criteria provided, single submitter. Criteria: Ambry Variant Classification Scheme 2023. Collection method: clinical testing. Allele origin: germline.

Labcorp Genetics (formerly Invitae), Labcorp
Classification: Uncertain significance for Curry-Hall syndrome; Ellis-van Creveld syndrome. Last evaluated: 2024-11-11. Review status: criteria provided, single submitter. Criteria: Invitae Variant Classification Sherloc (09022015). Collection method: clinical testing. Allele origin: germline.
Comment: This sequence change replaces valine, which is neutral and non-polar, with methionine, which is neutral and non-polar, at codon 806 of the EVC2 protein (p.Val806Met). This variant is present in population databases (rs138128087, gnomAD 0.06%). This variant has not been reported in the literature in individuals affected with EVC2-related conditions. ClinVar contains an entry for this variant (Variation ID: 349056). An algorithm developed to predict the effect of missense changes on protein structure and function outputs the following: PolyPhen-2: "Probably Damaging". The methionine amino acid residue is found in multiple mammalian species, which suggests that this missense change does not adversely affect protein function. In summary, the available evidence is currently insufficient to determine the role of this variant in disease. Therefore, it has been classified as a Variant of Uncertain Significance.

GeneDx
Classification: Uncertain significance. Last evaluated: 2024-08-25. Review status: criteria provided, single submitter. Criteria: GeneDx Variant Classification Process June 2021. Collection method: clinical testing. Allele origin: germline. Affected: yes.
Comment: In silico analysis indicates that this missense variant does not alter protein structure/function; Has not been previously published as pathogenic or benign to our knowledge

Centre for Mendelian Genomics, University Medical Centre Ljubljana
Classification: Uncertain significance for Curry-Hall syndrome. Last evaluated: 2019-05-14. Review status: criteria provided, single submitter. Criteria: ACMG Guidelines, 2015. Collection method: clinical testing. Allele origin: unknown. Affected: yes.
Comment: This variant was classified as: Uncertain significance. The available evidence favors the benign nature of this variant, however the evidence is insufficent to prove its benign nature. The following ACMG criteria were applied in classifying this variant: BP4.

Baylor Genetics
Classification: Uncertain significance for Ellis-van Creveld syndrome. Last evaluated: 2018-05-24. Review status: criteria provided, single submitter. Criteria: ACMG Guidelines, 2015. Collection method: clinical testing. Allele origin: paternal. Affected: yes.
Comment: This variant was determined to be of uncertain significance according to ACMG Guidelines, 2015 [PMID:25741868].

Illumina Laboratory Services, Illumina
Classification: Uncertain significance for Ellis-van Creveld syndrome. Last evaluated: 2018-01-12. Review status: criteria provided, single submitter. Criteria: ICSL Variant Classification Criteria 13 December 2019. Collection method: clinical testing. Allele origin: germline.